The following is an entry in ClinVar:

ClinVar aggregate classification (germline): Conflicting classifications of pathogenicity. Review status: criteria provided, conflicting classifications (1 of 4 stars). 3 submissions from 3 submitters: Pathogenic (2); Uncertain significance (1). Last evaluated 2023-04-24.

Conditions:
Developmental and epileptic encephalopathy, 42 (DEE42A). Also called: Epileptic encephalopathy, early infantile, 42; DEVELOPMENTAL AND EPILEPTIC ENCEPHALOPATHY 42A; EPILEPTIC ENCEPHALOPATHY, EARLY INFANTILE, 42A. Identifiers: MedGen C4310716, MONDO:0014917, OMIM 617106.
Episodic ataxia type 2 (EA2). Also called: ACETAZOLAMIDE-RESPONSIVE HEREDITARY PAROXYSMAL CEREBELLAR ATAXIA; ATAXIA, EPISODIC, WITH NYSTAGMUS; ATAXIA, FAMILIAL PAROXYSMAL; CEREBELLAR ATAXIA, PAROXYSMAL, ACETAZOLAMIDE-RESPONSIVE; CEREBELLOPATHY, HEREDITARY PAROXYSMAL; EPISODIC ATAXIA, NYSTAGMUS-ASSOCIATED. Identifiers: Orphanet 97, MedGen C1720416, MONDO:0007163, OMIM 108500.
Developmental and epileptic encephalopathy, 52 (DEE52). Also called: Epileptic encephalopathy, early infantile, 52. Identifiers: MedGen C4479236, MONDO:0033361, OMIM 617350.
Spinocerebellar ataxia type 6 (SCA6). Identifiers: Orphanet 98758, MedGen C0752124, MONDO:0008457, OMIM 183086.
Migraine, familial hemiplegic, 1. Also called: MIGRAINE, FAMILIAL HEMIPLEGIC 1, WITH PROGRESSIVE CEREBELLAR ATAXIA. Identifiers: Orphanet 569, MedGen C1832884, MONDO:0020756, OMIM 141500, MONDO:0007714.

Submissions (3):

Labcorp Genetics (formerly Invitae), Labcorp
Classification: Uncertain significance for Developmental and epileptic encephalopathy, 42; Episodic ataxia type 2. Last evaluated: 2023-04-24. Review status: criteria provided, single submitter. Criteria: Invitae Variant Classification Sherloc (09022015). Collection method: clinical testing. Allele origin: germline.
Comment: In summary, the available evidence is currently insufficient to determine the role of this variant in disease. Therefore, it has been classified as a Variant of Uncertain Significance. Advanced modeling of protein sequence and biophysical properties (such as structural, functional, and spatial information, amino acid conservation, physicochemical variation, residue mobility, and thermodynamic stability) has been performed at Invitae for this missense variant, however the output from this modeling did not meet the statistical confidence thresholds required to predict the impact of this variant on CACNA1A protein function. ClinVar contains an entry for this variant (Variation ID: 995995). This variant is also known as c.1843A>C (p.Ser615Arg). This missense change has been observed in individual(s) with clinical features of CACNA1A-related condition (PMID: 35722745). This variant is not present in population databases (gnomAD no frequency). This sequence change replaces serine, which is neutral and polar, with arginine, which is basic and polar, at codon 616 of the CACNA1A protein (p.Ser616Arg). This variant disrupts the p.Ser616 amino acid residue in CACNA1A. Other variant(s) that disrupt this residue have been observed in individuals with CACNA1A-related conditions (PMID: 34102571, 35722745), which suggests that this may be a clinically significant amino acid residue.

Wendy Chung Laboratory, Boston Children's Hospital
Classification: Pathogenic for Developmental and epileptic encephalopathy, 52; Episodic ataxia type 2; Migraine, familial hemiplegic, 1; Spinocerebellar ataxia type 6. Last evaluated: 2022-03-20. Review status: criteria provided, single submitter. Criteria: ACMG Guidelines, 2015. Collection method: clinical testing. Allele origin: unknown. Affected: yes.

Pediatrics, MediClubGeorgia
Classification: Pathogenic for Migraine, familial hemiplegic, 1. Last evaluated: 2021-01-26. Review status: criteria provided, single submitter. Criteria: ACMG Guidelines, 2015. Collection method: clinical testing. Allele origin: de novo. Inheritance: Autosomal dominant inheritance. Affected: yes. Observed: 1 variant allele, 1 heterozygote.
Comment: This variant is absent in Exome Aggregation Consortium (ExAC) database or Genome Aggregation Database (gnomAD). This variant is predicted be in silico tools: SIFT - deleterious, PolyPhen - Probably Damaging, FATHMM pred - Damaging, MutationTaster - diseases causing. The affected Ser616 residue is fully conserved across the 100 vertebrate species in the UCSC Genome Browser.

Literature cited by the submitters: PubMed 35722745 (cited by Labcorp Genetics (formerly Invitae), Labcorp); PubMed 34102571 (cited by Labcorp Genetics (formerly Invitae), Labcorp).

NM_001127222.2(CACNA1A):c.1843A>C (p.Ser615Arg)

Gene: CACNA1A (calcium voltage-gated channel subunit alpha1 A; minus strand). Cytogenetic location: 19p13.13.
Variant type: single nucleotide variant.
Coding change: c.1843A>C on transcript NM_001127222.2 (MANE Select); coding-DNA position 1843, A replaced by C.
Protein change: p.Ser615Arg; replaces serine 615 with arginine.
Molecular consequence: missense variant.
Genome position (GRCh38, 1-based): chr19:13,308,190, T>G on the plus strand (A>C on the coding strand, the complement: CACNA1A is on the minus strand). VCF-style: chr19-13308190-T-G. GRCh37 (hg19) VCF-style: chr19-13419004-T-G.
Other names: c.1846A>C, p.Ser616Arg (NM_000068.4, NM_001127221.2, NM_001174080.2 and 1 more transcripts); short protein forms S615R, S616R.
Identifiers: ClinVar variation 995995 (VCV000995995.12), dbSNP rs2057947681, ClinGen allele CA404344866.
Genomic context (GRCh38, chr19:13,308,190, plus strand): 5'-AGAGTTGCATTCCCAAAAGGGCGAAGACGACAATGAACAGGAAAAGGAGAAACAACAGGC[T>G]GATGATGGACTTCATGGAGTTGAGGAGAGAGACGACCAGGTTTCTGAGAGATGCCCAGTA-3'
Protein context (NP_001120694.1, residues 605-625): SLLNSMKSII[Ser615Arg]LLFLLFLFIV